The following is an entry in ClinVar:

NM_144991.3(TSPEAR):c.1019T>C (p.Leu340Pro)

Gene: TSPEAR (thrombospondin type laminin G domain and EAR repeats; minus strand). Cytogenetic location: 21q22.3.
Variant type: single nucleotide variant.
Coding change: c.1019T>C on transcript NM_144991.3 (MANE Select); coding-DNA position 1019, T replaced by C.
Protein change: p.Leu340Pro; replaces leucine 340 with proline.
Molecular consequence: missense variant.
Genome position (GRCh38, 1-based): chr21:44,527,422, A>G on the plus strand (T>C on the coding strand, the complement: TSPEAR is on the minus strand). VCF-style: chr21-44527422-A-G. GRCh37 (hg19) VCF-style: chr21-45947305-A-G.
Other names: c.815T>C, p.Leu272Pro (NM_001272037.2); c.1019T>C (NM_144991.2); short protein forms L340P, L272P.
Identifiers: ClinVar variation 1415226 (VCV001415226.8), dbSNP rs201766708, ClinGen allele CA10056757.
Genomic context (GRCh38, chr21:44,527,422, plus strand): 5'-TTCTCTTCGGTCCACTTGTAGACGGCGGATGTGGCTTTGCGATTGGCTGTGGCCACAAAG[A>G]GCCCCACCTGAGGGATGCGGAACACCTCAATGCCCAGGGTCTCTGAGTTGGTGGACAAGT-3'
Protein context (NP_659428.2, residues 330-350): IEVFRIPQVG[Leu340Pro]FVATANRKAT

ClinVar aggregate classification (germline): Uncertain significance. Review status: criteria provided, multiple submitters, no conflicts (2 of 4 stars). 3 submissions from 3 submitters: Uncertain significance (3). Last evaluated 2024-09-10.

Conditions:
Inborn genetic diseases. Identifiers: MedGen C0950123, MeSH D030342.

Allele frequency attached by ClinVar (database versions not stated): gnomAD 0.00001; gnomAD exomes 0.00003 and 0.00007; TOPMed 0.00004; ExAC 0.00007; ESP Exome Variant Server 0.00008; 1000 Genomes Project 0.00040; 1000 Genomes Project 30x 0.00047.
gnomAD v4.1: 49 of 1,614,182 alleles (0.003%); highest among the groups gnomAD compares: Admixed American, 0.01%; no homozygotes.

Submissions (3):

Blueprint Genetics
Classification: Uncertain significance. Last evaluated: 2024-09-10. Review status: criteria provided, single submitter. Criteria: ACMG Guidelines, 2015. Collection method: clinical testing. Allele origin: germline.

Ambry Genetics
Classification: Uncertain significance for Inborn genetic diseases. Last evaluated: 2024-02-27. Review status: criteria provided, single submitter. Criteria: Ambry Variant Classification Scheme 2023. Collection method: clinical testing. Allele origin: germline.

Labcorp Genetics (formerly Invitae), Labcorp
Classification: Uncertain significance. Last evaluated: 2023-12-11. Review status: criteria provided, single submitter. Criteria: Invitae Variant Classification Sherloc (09022015). Collection method: clinical testing. Allele origin: germline.
Comment: This sequence change replaces leucine, which is neutral and non-polar, with proline, which is neutral and non-polar, at codon 340 of the TSPEAR protein (p.Leu340Pro). This variant is present in population databases (rs201766708, gnomAD 0.01%). This variant has not been reported in the literature in individuals affected with TSPEAR-related conditions. ClinVar contains an entry for this variant (Variation ID: 1415226). Advanced modeling of protein sequence and biophysical properties (such as structural, functional, and spatial information, amino acid conservation, physicochemical variation, residue mobility, and thermodynamic stability) performed at Invitae indicates that this missense variant is not expected to disrupt TSPEAR protein function with a negative predictive value of 80%. In summary, the available evidence is currently insufficient to determine the role of this variant in disease. Therefore, it has been classified as a Variant of Uncertain Significance.